The following is an entry in ClinVar:

ClinVar aggregate classification (germline): Likely benign (1 of 4 stars; one submission).

Allele frequency attached by ClinVar (database versions not stated): ExAC 0.00001; gnomAD 0.00001; gnomAD exomes 0.00001; TOPMed 0.00001; 1000 Genomes Project 30x 0.00016; 1000 Genomes Project 0.00020.
gnomAD v4.1: 14 of 1,602,370 alleles (0.00087%); highest among the groups gnomAD compares: Middle Eastern, 0.017%; no homozygotes.

Submission:

CeGaT Center for Human Genetics Tuebingen
Classification: Likely benign. Last evaluated: 2023-01-01. Review status: criteria provided, single submitter. Criteria: CeGaT Center For Human Genetics Tuebingen Variant Classification Criteria Version 2. Collection method: clinical testing. Allele origin: germline. Affected: yes. Observed: 1 variant allele.
Comment: OTOF: BP4, BP7

NM_194323.3(OTOF):c.3531C>T (p.Phe1177=)

Gene: OTOF (otoferlin; minus strand). Cytogenetic location: 2p23.3.
Variant type: single nucleotide variant.
Coding change: c.3531C>T on transcript NM_194323.3 (MANE Plus Clinical); coding-DNA position 3531, C replaced by T.
Protein change: p.Phe1177=; no amino-acid change (phenylalanine 1177 retained).
Molecular consequence: synonymous variant. On other transcripts: 3 prime UTR variant (3).
Genome position (GRCh38, 1-based): chr2:26,458,202, G>A on the plus strand (C>T on the coding strand, the complement: OTOF is on the minus strand). VCF-style: chr2-26458202-G-A. GRCh37 (hg19) VCF-style: chr2-26681070-G-A.
Other names: c.5832C>T, p.Phe1944= (NM_001287489.2); c.*36C>T (NM_004802.4, NM_194248.3, NM_194322.3).
Identifiers: ClinVar variation 2498807 (VCV002498807.28), dbSNP rs548065731, ClinGen allele CA1562633.